The following is an entry in ClinVar:

ClinVar aggregate classification (germline): Uncertain significance (1 of 4 stars; one submission).

Conditions:
Osteogenesis imperfecta type 7 (OI7). Also called: OSTEOGENESIS IMPERFECTA, TYPE IIB; Osteogenesis imperfecta type 2B; OI type 2B; Osteogenesis imperfecta, perinatal lethal autosomal recessive; OI type IIB; OI type 7. Identifiers: MedGen C1853162, MONDO:0012536, OMIM 610682.

Submission:

Labcorp Genetics (formerly Invitae), Labcorp
Classification: Uncertain significance for Osteogenesis imperfecta type 7. Last evaluated: 2023-12-11. Review status: criteria provided, single submitter. Criteria: Invitae Variant Classification Sherloc (09022015). Collection method: clinical testing. Allele origin: germline.
Comment: This sequence change replaces leucine, which is neutral and non-polar, with proline, which is neutral and non-polar, at codon 12 of the CRTAP protein (p.Leu12Pro). This variant is not present in population databases (gnomAD no frequency). This variant has not been reported in the literature in individuals affected with CRTAP-related conditions. ClinVar contains an entry for this variant (Variation ID: 1962228). Experimental studies and prediction algorithms are not available or were not evaluated, and the functional significance of this variant is currently unknown. In summary, the available evidence is currently insufficient to determine the role of this variant in disease. Therefore, it has been classified as a Variant of Uncertain Significance.

NM_006371.5(CRTAP):c.35T>C (p.Leu12Pro)

Genes: CRTAP (cartilage associated protein; plus strand), LOC129936436 (ATAC-STARR-seq lymphoblastoid silent region 14183; plus strand). Cytogenetic location: 3p22.3.
Variant type: single nucleotide variant.
Coding change: c.35T>C on transcript NM_006371.5 (MANE Select); coding-DNA position 35, T replaced by C.
Protein change: p.Leu12Pro; replaces leucine 12 with proline.
Molecular consequence: missense variant.
Genome position (GRCh38, 1-based): chr3:33,114,112, T>C. VCF-style: chr3-33114112-T-C. GRCh37 (hg19) VCF-style: chr3-33155604-T-C.
Other names: c.35T>C, p.Leu12Pro (NM_001393363.1, NM_001393364.1, NM_001393365.1); short protein forms L12P.
Identifiers: ClinVar variation 1962228 (VCV001962228.5), dbSNP rs2471560809, ClinGen allele CA352008031.
Genomic context (GRCh38, chr3:33,114,112, plus strand): 5'-TTCCTTCCTTCCTTTCGCCGGGCGCGATGGAGCCGGGGCGCCGGGGGGCCGCGGCGCTGC[T>C]AGCGCTGCTGTGCGTGGCCTGCGCGCTGCGCGCCGGGCGCGCCCAATACGAACGCTACAG-3'
Protein context (NP_006362.1, residues 2-22): EPGRRGAAAL[Leu12Pro]ALLCVACALR